The following is an entry in ClinVar:

ClinVar aggregate classification (germline): Uncertain significance. Review status: criteria provided, multiple submitters, no conflicts (2 of 4 stars). 2 submissions from 2 submitters: Uncertain significance (2). Last evaluated 2024-05-23.

Conditions:
Inborn genetic diseases. Identifiers: MedGen C0950123, MeSH D030342.

Submissions (2):

GeneDx
Classification: Uncertain significance. Last evaluated: 2024-05-23. Review status: criteria provided, single submitter. Criteria: GeneDx Variant Classification Process June 2021. Collection method: clinical testing. Allele origin: germline. Affected: yes.
Comment: Not observed at significant frequency in large population cohorts (gnomAD); In silico analysis supports that this missense variant does not alter protein structure/function; Has not been previously published as pathogenic or benign to our knowledge

Ambry Genetics
Classification: Uncertain significance for Inborn genetic diseases. Last evaluated: 2022-05-25. Review status: criteria provided, single submitter. Criteria: Ambry Variant Classification Scheme 2023. Collection method: clinical testing. Allele origin: germline.

NM_001009944.3(PKD1):c.2161G>A (p.Ala721Thr)

Gene: PKD1 (polycystin 1, transient receptor potential channel interacting; minus strand). Cytogenetic location: 16p13.3.
Variant type: single nucleotide variant.
Coding change: c.2161G>A on transcript NM_001009944.3 (MANE Select); coding-DNA position 2161, G replaced by A.
Protein change: p.Ala721Thr; replaces alanine 721 with threonine.
Molecular consequence: missense variant.
Genome position (GRCh38, 1-based): chr16:2,114,862, C>T on the plus strand (G>A on the coding strand, the complement: PKD1 is on the minus strand). VCF-style: chr16-2114862-C-T. GRCh37 (hg19) VCF-style: chr16-2164863-C-T.
Other names: c.2161G>A, p.Ala721Thr (NM_000296.4); c.2161G>A (NM_000296.3); short protein forms A721T.
Identifiers: ClinVar variation 426237 (VCV000426237.6), dbSNP rs1085307516, ClinGen allele CA394389228.
Genomic context (GRCh38, chr16:2,114,862, plus strand): 5'-GGGCCCGGGGACCAGGGTGGCCGGGAGCCGGCGAGCAGTGCAGGAGGGCGCCAGGGCCAG[C>T]GTCGTGCTGCAAGCCAACGAGGTCACCAGGGAGCATGAGGACATCCTGGCCGTGGAGGGT-3'
Protein context (NP_001009944.3, residues 711-731): PGDLVGLQHD[Ala721Thr]GPGALLHCSP